The following is an entry in ClinVar:

ClinVar aggregate classification (germline): Uncertain significance (1 of 4 stars; one submission).

Allele frequency attached by ClinVar (database versions not stated): gnomAD 0.00001.

Submission:

Labcorp Genetics (formerly Invitae), Labcorp
Classification: Uncertain significance. Last evaluated: 2022-06-29. Review status: criteria provided, single submitter. Criteria: Invitae Variant Classification Sherloc (09022015). Collection method: clinical testing. Allele origin: germline.
Comment: This sequence change creates a premature translational stop signal (p.Arg47*) in the SAMD11 gene. It is expected to result in an absent or disrupted protein product. However, the current clinical and genetic evidence is not sufficient to establish whether loss-of-function variants in SAMD11 cause disease. This variant is not present in population databases (gnomAD no frequency). This variant has not been reported in the literature in individuals affected with SAMD11-related conditions. In summary, the available evidence is currently insufficient to determine the role of this variant in disease. Therefore, it has been classified as a Variant of Uncertain Significance.

NM_001385641.1(SAMD11):c.676C>T (p.Arg226Ter)

Gene: SAMD11 (sterile alpha motif domain containing 11; plus strand). Cytogenetic location: 1p36.33.
Variant type: single nucleotide variant.
Coding change: c.676C>T on transcript NM_001385641.1 (MANE Select); coding-DNA position 676, C replaced by T.
Protein change: p.Arg226Ter; replaces arginine 226 with a stop codon.
Molecular consequence: nonsense.
Genome position (GRCh38, 1-based): chr1:930,221, C>T. VCF-style: chr1-930221-C-T. GRCh37 (hg19) VCF-style: chr1-865601-C-T.
Other names: c.676C>T, p.Arg226Ter (NM_001385640.1); c.139C>T, p.Arg47Ter (NM_152486.4); short protein forms R47*, R226*.
Identifiers: ClinVar variation 2133131 (VCV002133131.3), dbSNP rs934852613, ClinGen allele CA337791585.
Genomic context (GRCh38, chr1:930,221, plus strand): 5'-GGGCGGCTGGCAGACAAGAGGACAGTCGCCCTGCCTGCCGCCCGGAACCTGAAGAAGGAG[C>T]GAACTCCCAGCTTCTCTGCCAGCGATGGTGACAGCGACGGGAGTGGCCCCACCTGTGGGC-3'